The following is an entry in ClinVar:

NM_007194.4(CHEK2):c.470T>A (p.Ile157Asn)

Gene: CHEK2 (checkpoint kinase 2; minus strand). Cytogenetic location: 22q12.1.
Variant type: single nucleotide variant.
Coding change: c.470T>A on transcript NM_007194.4 (MANE Select); coding-DNA position 470, T replaced by A.
Protein change: p.Ile157Asn; replaces isoleucine 157 with asparagine.
Molecular consequence: missense variant. On other transcripts: 5 prime UTR variant (2), intron variant (1).
Genome position (GRCh38, 1-based): chr22:28,725,099, A>T on the plus strand (T>A on the coding strand, the complement: CHEK2 is on the minus strand). VCF-style: chr22-28725099-A-T. GRCh37 (hg19) VCF-style: chr22-29121087-A-T.
Other names: c.599T>A, p.Ile200Asn (NM_001005735.3, NM_001438294.1); c.-308T>A (NM_001257387.3); c.-194T>A (NM_001437942.1); c.563T>A, p.Ile188Asn (NM_001438293.1, NM_001438295.1); c.470T>A, p.Ile157Asn (NM_145862.3); c.444+144T>A (NM_001349956.3); short protein forms I157N, I200N, I188N.
Identifiers: ClinVar variation 3663691 (VCV003663691.2).

ClinVar aggregate classification (germline): Uncertain significance (1 of 4 stars; one submission).

Conditions:
Familial cancer of breast. Also called: Hereditary breast cancer; hereditary breast carcinoma; BREAST CANCER, FAMILIAL. Identifiers: Orphanet 227535, MedGen C0346153, MONDO:0016419, OMIM 114480. Disease mechanism: loss of function.

Submission:

Labcorp Genetics (formerly Invitae), Labcorp
Classification: Uncertain significance for Familial cancer of breast. Last evaluated: 2024-09-07. Review status: criteria provided, single submitter. Criteria: Invitae Variant Classification Sherloc (09022015). Collection method: clinical testing. Allele origin: germline.
Comment: This sequence change replaces isoleucine, which is neutral and non-polar, with asparagine, which is neutral and polar, at codon 157 of the CHEK2 protein (p.Ile157Asn). This variant is not present in population databases (gnomAD no frequency). This variant has not been reported in the literature in individuals affected with CHEK2-related conditions. An algorithm developed to predict the effect of missense changes on protein structure and function (PolyPhen-2) suggests that this variant is likely to be tolerated. In summary, the available evidence is currently insufficient to determine the role of this variant in disease. Therefore, it has been classified as a Variant of Uncertain Significance.